The following is an entry in ClinVar:

ClinVar aggregate classification (germline): Likely pathogenic. Review status: criteria provided, single submitter (1 of 4 stars). 2 submissions from 2 submitters: Likely pathogenic (1). 1 of the submissions does not count toward it. Last evaluated 2023-08-24.

Conditions:
Deficiency of galactokinase. Also called: Galactokinase deficiency with cataracts; GALACTOSEMIA II. Identifiers: Orphanet 352, Orphanet 79237, MedGen C0268155, MONDO:0009255, OMIM 230200.

Allele frequency attached by ClinVar (database versions not stated): ExAC 0.00003.
gnomAD v4.1: 2 of 1,574,464 alleles (0.00013%); highest among the groups gnomAD compares: Non-Finnish European, 0.000086%; no homozygotes.

Submissions (2):

Labcorp Genetics (formerly Invitae), Labcorp
Classification: Likely pathogenic for Deficiency of galactokinase. Last evaluated: 2023-08-24. Review status: criteria provided, single submitter. Criteria: Invitae Variant Classification Sherloc (09022015). Collection method: clinical testing. Allele origin: germline.
Comment: This sequence change affects a donor splice site in intron 6 of the GALK1 gene. It is expected to disrupt RNA splicing. Variants that disrupt the donor or acceptor splice site typically lead to a loss of protein function (PMID: 16199547), and loss-of-function variants in GALK1 are known to be pathogenic (PMID: 7670469, 10790206). The frequency data for this variant in the population databases is considered unreliable, as metrics indicate poor data quality at this position in the gnomAD database. In summary, the currently available evidence indicates that the variant is pathogenic, but additional data are needed to prove that conclusively. Therefore, this variant has been classified as Likely Pathogenic. Algorithms developed to predict the effect of sequence changes on RNA splicing suggest that this variant may disrupt the consensus splice site. ClinVar contains an entry for this variant (Variation ID: 554737). This variant has not been reported in the literature in individuals affected with GALK1-related conditions.

Counsyl
Classification: Likely pathogenic for Deficiency of galactokinase. Last evaluated: 2017-11-02. Review status: no assertion criteria provided. Collection method: clinical testing. Allele origin: unknown. Not counted in ClinVar's aggregate classification.

Literature cited by the submitters: PubMed 16199547 (cited by Labcorp Genetics (formerly Invitae), Labcorp); PubMed 7670469 (cited by Labcorp Genetics (formerly Invitae), Labcorp); PubMed 10790206 (cited by Labcorp Genetics (formerly Invitae), Labcorp).

NM_000154.2(GALK1):c.944+1G>T

Gene: GALK1 (galactokinase 1; minus strand). Cytogenetic location: 17q25.1.
Variant type: single nucleotide variant.
Coding change: c.944+1G>T on transcript NM_000154.2 (MANE Select); the canonical splice donor site of the intron after coding-DNA position 944, G replaced by T.
Molecular consequence: splice donor variant.
Genome position (GRCh38, 1-based): chr17:75,758,448, C>A on the plus strand (G>T on the coding strand, the complement: GALK1 is on the minus strand). VCF-style: chr17-75758448-C-A. GRCh37 (hg19) VCF-style: chr17-73754529-C-A.
Other names: c.944+1G>T (NM_001381985.1).
Identifiers: ClinVar variation 554737 (VCV000554737.5), dbSNP rs113464656, ClinGen allele CA8770784.